The following is an entry in ClinVar:

ClinVar aggregate classification (germline): Uncertain significance (1 of 4 stars; one submission).

gnomAD v4.1: 6 of 1,614,200 alleles (0.00037%); highest among the groups gnomAD compares: Non-Finnish European, 0.00051%; no homozygotes.

Submission:

Labcorp Genetics (formerly Invitae), Labcorp
Classification: Uncertain significance. Last evaluated: 2025-03-13. Review status: criteria provided, single submitter. Criteria: Invitae Variant Classification Sherloc (09022015). Collection method: clinical testing. Allele origin: germline.
Comment: This sequence change replaces glycine, which is neutral and non-polar, with aspartic acid, which is acidic and polar, at codon 380 of the ADAMTS17 protein (p.Gly380Asp). This variant is present in population databases (no rsID available, gnomAD 0.003%). This variant has not been reported in the literature in individuals affected with ADAMTS17-related conditions. An algorithm developed to predict the effect of missense changes on protein structure and function (PolyPhen-2) suggests that this variant is likely to be disruptive. In summary, the available evidence is currently insufficient to determine the role of this variant in disease. Therefore, it has been classified as a Variant of Uncertain Significance.

NM_139057.4(ADAMTS17):c.1139G>A (p.Gly380Asp)

Gene: ADAMTS17 (ADAM metallopeptidase with thrombospondin type 1 motif 17; minus strand). Cytogenetic location: 15q26.3.
Variant type: single nucleotide variant.
Coding change: c.1139G>A on transcript NM_139057.4 (MANE Select); coding-DNA position 1139, G replaced by A.
Protein change: p.Gly380Asp; replaces glycine 380 with aspartic acid.
Molecular consequence: missense variant.
Genome position (GRCh38, 1-based): chr15:100,199,360, C>T on the plus strand (G>A on the coding strand, the complement: ADAMTS17 is on the minus strand). VCF-style: chr15-100199360-C-T. GRCh37 (hg19) VCF-style: chr15-100739565-C-T.
Other names: short protein forms G380D.
Identifiers: ClinVar variation 4761938 (VCV004761938.1).